The following is an entry in ClinVar:

ClinVar aggregate classification (germline): Uncertain significance. Review status: criteria provided, multiple submitters, no conflicts (2 of 4 stars). 3 submissions from 3 submitters: Uncertain significance (3). Last evaluated 2025-02-21.

Conditions:
Inborn genetic diseases. Identifiers: MedGen C0950123, MeSH D030342.

Allele frequency attached by ClinVar (database versions not stated): gnomAD 0.00001; ExAC 0.00002; TOPMed 0.00003; ESP Exome Variant Server 0.00008.
gnomAD v4.1: 34 of 1,613,580 alleles (0.0021%); highest among the groups gnomAD compares: Middle Eastern, 0.016%; no homozygotes.

Submissions (3):

Labcorp Genetics (formerly Invitae), Labcorp
Classification: Uncertain significance. Last evaluated: 2025-02-21. Review status: criteria provided, single submitter. Criteria: Invitae Variant Classification Sherloc (09022015). Collection method: clinical testing. Allele origin: germline.
Comment: This sequence change replaces alanine, which is neutral and non-polar, with threonine, which is neutral and polar, at codon 447 of the CAPN5 protein (p.Ala447Thr). This variant is present in population databases (rs144340565, gnomAD 0.007%). This variant has not been reported in the literature in individuals affected with CAPN5-related conditions. ClinVar contains an entry for this variant (Variation ID: 942521). Invitae Evidence Modeling of protein sequence and biophysical properties (such as structural, functional, and spatial information, amino acid conservation, physicochemical variation, residue mobility, and thermodynamic stability) indicates that this missense variant is not expected to disrupt CAPN5 protein function with a negative predictive value of 80%. In summary, the available evidence is currently insufficient to determine the role of this variant in disease. Therefore, it has been classified as a Variant of Uncertain Significance.

Blueprint Genetics
Classification: Uncertain significance. Last evaluated: 2024-04-29. Review status: criteria provided, single submitter. Criteria: ACMG Guidelines, 2015. Collection method: clinical testing. Allele origin: germline.

Ambry Genetics
Classification: Uncertain significance for Inborn genetic diseases. Last evaluated: 2023-01-24. Review status: criteria provided, single submitter. Criteria: Ambry Variant Classification Scheme 2023. Collection method: clinical testing. Allele origin: germline.

NM_004055.5(CAPN5):c.1339G>A (p.Ala447Thr)

Gene: CAPN5 (calpain 5; plus strand). Cytogenetic location: 11q13.5.
Variant type: single nucleotide variant.
Coding change: c.1339G>A on transcript NM_004055.5 (MANE Select); coding-DNA position 1339, G replaced by A.
Protein change: p.Ala447Thr; replaces alanine 447 with threonine.
Molecular consequence: missense variant.
Genome position (GRCh38, 1-based): chr11:77,120,761, G>A. VCF-style: chr11-77120761-G-A. GRCh37 (hg19) VCF-style: chr11-76831807-G-A.
Other names: short protein forms A447T.
Identifiers: ClinVar variation 942521 (VCV000942521.10), dbSNP rs144340565, ClinGen allele CA6196783.